The following is an entry in ClinVar:

ClinVar aggregate classification (germline): Uncertain significance (1 of 4 stars; one submission).

Conditions:
Beta-D-mannosidosis (MANSB). Also called: Beta-Mannosidosis; MANNOSIDOSIS, BETA A, LYSOSOMAL; BETA-MANNOSIDASE DEFICIENCY; LYSOSOMAL BETA-MANNOSIDASE DEFICIENCY. Identifiers: Orphanet 118, MedGen C4048196, MONDO:0009562, OMIM 248510.

Allele frequency attached by ClinVar (database versions not stated): gnomAD 0.00001; gnomAD exomes 0.00001; TOPMed 0.00001.
gnomAD v4.1: 18 of 1,553,514 alleles (0.0012%); highest among the groups gnomAD compares: Non-Finnish European, 0.0015%; no homozygotes.

Submission:

Labcorp Genetics (formerly Invitae), Labcorp
Classification: Uncertain significance for Beta-D-mannosidosis. Last evaluated: 2022-05-21. Review status: criteria provided, single submitter. Criteria: Invitae Variant Classification Sherloc (09022015). Collection method: clinical testing. Allele origin: germline.
Comment: This sequence change replaces serine, which is neutral and polar, with leucine, which is neutral and non-polar, at codon 37 of the MANBA protein (p.Ser37Leu). This variant is not present in population databases (gnomAD no frequency). This variant has not been reported in the literature in individuals affected with MANBA-related conditions. Algorithms developed to predict the effect of missense changes on protein structure and function are either unavailable or do not agree on the potential impact of this missense change (SIFT: "Deleterious"; PolyPhen-2: "Possibly Damaging"; Align-GVGD: "Class C0"). In summary, the available evidence is currently insufficient to determine the role of this variant in disease. Therefore, it has been classified as a Variant of Uncertain Significance.

NM_005908.4(MANBA):c.110C>T (p.Ser37Leu)

Genes: MANBA (mannosidase beta; minus strand), LOC129992886 (ATAC-STARR-seq lymphoblastoid active region 21757; plus strand). Cytogenetic location: 4q24.
Variant type: single nucleotide variant.
Coding change: c.110C>T on transcript NM_005908.4 (MANE Select); coding-DNA position 110, C replaced by T.
Protein change: p.Ser37Leu; replaces serine 37 with leucine.
Molecular consequence: missense variant.
Genome position (GRCh38, 1-based): chr4:102,760,785, G>A on the plus strand (C>T on the coding strand, the complement: MANBA is on the minus strand). VCF-style: chr4-102760785-G-A. GRCh37 (hg19) VCF-style: chr4-103681942-G-A.
Other names: short protein forms S37L.
Identifiers: ClinVar variation 2112587 (VCV002112587.1), dbSNP rs1194057591, ClinGen allele CA357961497.